The following is an entry in ClinVar:

ClinVar aggregate classification (germline): Uncertain significance (1 of 4 stars; one submission).

Submission:

Labcorp Genetics (formerly Invitae), Labcorp
Classification: Uncertain significance. Last evaluated: 2024-02-11. Review status: criteria provided, single submitter. Criteria: Invitae Variant Classification Sherloc (09022015). Collection method: clinical testing. Allele origin: germline.
Comment: This sequence change replaces leucine, which is neutral and non-polar, with proline, which is neutral and non-polar, at codon 2359 of the CPLANE1 protein (p.Leu2359Pro). This variant is not present in population databases (gnomAD no frequency). This variant has not been reported in the literature in individuals affected with CPLANE1-related conditions. Advanced modeling of protein sequence and biophysical properties (such as structural, functional, and spatial information, amino acid conservation, physicochemical variation, residue mobility, and thermodynamic stability) performed at Invitae indicates that this missense variant is not expected to disrupt CPLANE1 protein function with a negative predictive value of 95%. In summary, the available evidence is currently insufficient to determine the role of this variant in disease. Therefore, it has been classified as a Variant of Uncertain Significance.

NM_001384732.1(CPLANE1):c.7076T>C (p.Leu2359Pro)

Gene: CPLANE1 (ciliogenesis and planar polarity effector complex subunit 1; minus strand). Cytogenetic location: 5p13.2.
Variant type: single nucleotide variant.
Coding change: c.7076T>C on transcript NM_001384732.1 (MANE Select); coding-DNA position 7076, T replaced by C.
Protein change: p.Leu2359Pro; replaces leucine 2359 with proline.
Molecular consequence: missense variant.
Genome position (GRCh38, 1-based): chr5:37,168,948, A>G on the plus strand (T>C on the coding strand, the complement: CPLANE1 is on the minus strand). VCF-style: chr5-37168948-A-G. GRCh37 (hg19) VCF-style: chr5-37169050-A-G.
Other names: c.7076T>C, p.Leu2359Pro (NM_023073.4); short protein forms L2359P.
Identifiers: ClinVar variation 3696303 (VCV003696303.2).